The following is an entry in ClinVar:

ClinVar aggregate classification (germline): Uncertain significance. Review status: criteria provided, multiple submitters, no conflicts (2 of 4 stars). 2 submissions from 2 submitters: Uncertain significance (2). Last evaluated 2024-08-22.

Conditions:
Hereditary cancer-predisposing syndrome. Also called: Neoplastic Syndromes, Hereditary; Tumor predisposition; Hereditary Cancer Syndrome; Hereditary neoplastic syndrome. Identifiers: Orphanet 140162, MedGen C0027672, MeSH D009386, MONDO:0015356.
Familial adenomatous polyposis 1 (FAP1). Also called: FAMILIAL ADENOMATOUS POLYPOSIS 1, ATTENUATED; POLYPOSIS, ADENOMATOUS INTESTINAL. Identifiers: MedGen C2713442, MONDO:0021056, OMIM 175100. Disease mechanism: loss of function.

Submissions (2):

Ambry Genetics
Classification: Uncertain significance for Hereditary cancer-predisposing syndrome. Last evaluated: 2024-08-22. Review status: criteria provided, single submitter. Criteria: Ambry Variant Classification Scheme 2023. Collection method: clinical testing. Allele origin: germline.
Comment: The p.H255L variant (also known as c.764A>T), located in coding exon 7 of the APC gene, results from an A to T substitution at nucleotide position 764. The histidine at codon 255 is replaced by leucine, an amino acid with similar properties. This amino acid position is well conserved in available vertebrate species. In addition, in silico predictors for this gene do not accurately predict pathogenicity. Missense alterations in APC are not a common cause of disease (Spier I et al. Genet Med. 2024 Feb;26(2):100992). Based on the available evidence, the clinical significance of this variant remains unclear.

Labcorp Genetics (formerly Invitae), Labcorp
Classification: Uncertain significance for Familial adenomatous polyposis 1. Last evaluated: 2024-06-04. Review status: criteria provided, single submitter. Criteria: Invitae Variant Classification Sherloc (09022015). Collection method: clinical testing. Allele origin: germline.
Comment: This sequence change replaces histidine, which is basic and polar, with leucine, which is neutral and non-polar, at codon 255 of the APC protein (p.His255Leu). This variant is not present in population databases (gnomAD no frequency). This variant has not been reported in the literature in individuals affected with APC-related conditions. Advanced modeling of protein sequence and biophysical properties (such as structural, functional, and spatial information, amino acid conservation, physicochemical variation, residue mobility, and thermodynamic stability) performed at Invitae indicates that this missense variant is not expected to disrupt APC protein function with a negative predictive value of 95%. In summary, the available evidence is currently insufficient to determine the role of this variant in disease. Therefore, it has been classified as a Variant of Uncertain Significance.

NM_000038.6(APC):c.764A>T (p.His255Leu)

Gene: APC (APC regulator of Wnt signaling pathway; plus strand). Cytogenetic location: 5q22.2.
Variant type: single nucleotide variant.
Coding change: c.764A>T on transcript NM_000038.6 (MANE Select); coding-DNA position 764, A replaced by T.
Protein change: p.His255Leu; replaces histidine 255 with leucine.
Molecular consequence: missense variant. On other transcripts: 5 prime UTR variant (4), non-coding transcript variant (2).
Genome position (GRCh38, 1-based): chr5:112,801,313, A>T. VCF-style: chr5-112801313-A-T. GRCh37 (hg19) VCF-style: chr5-112137010-A-T.
Other names: c.764A>T, p.His255Leu (NM_001127510.3, NM_001354895.2, NM_001354896.2 and 12 more transcripts); c.710A>T, p.His237Leu (NM_001127511.3); c.794A>T, p.His265Leu (NM_001354897.2, NM_001354902.2, NM_001407446.1); c.689A>T, p.His230Leu (NM_001354898.2, NM_001354904.2, NM_001407451.1); c.680A>T, p.His227Leu (NM_001354899.2, NM_001407452.1, NM_001407467.1 and 1 more transcripts); c.587A>T, p.His196Leu (NM_001354900.2, NM_001354901.2, NM_001354905.2 and 1 more transcripts); c.-272A>T (NM_001354906.2, NM_001407470.1, NM_001407471.1 and 1 more transcripts); short protein forms H230L, H237L, H265L, H255L, H227L, H196L.
Identifiers: ClinVar variation 3410081 (VCV003410081.3).